The following is an entry in ClinVar:

ClinVar aggregate classification (germline): Uncertain significance (0 of 4 stars; one submission).

Conditions:
TBX3-related disorder. Also called: TBX3-related condition.

Submission:

PreventionGenetics, part of Exact Sciences
Classification: Uncertain significance for TBX3-related condition. Last evaluated: 2024-04-03. Review status: no assertion criteria provided. Collection method: clinical testing. Allele origin: germline.
Comment: The TBX3 c.988A>G variant is predicted to result in the amino acid substitution p.Lys330Glu. To our knowledge, this variant has not been reported in the literature or in a large population database, indicating this variant is rare. At this time, the clinical significance of this variant is uncertain due to the absence of conclusive functional and genetic evidence.

NM_005996.4(TBX3):c.928A>G (p.Lys310Glu)

Gene: TBX3 (T-box transcription factor 3; minus strand). Cytogenetic location: 12q24.21.
Variant type: single nucleotide variant.
Coding change: c.928A>G on transcript NM_005996.4 (MANE Select); coding-DNA position 928, A replaced by G.
Protein change: p.Lys310Glu; replaces lysine 310 with glutamic acid.
Molecular consequence: missense variant.
Genome position (GRCh38, 1-based): chr12:114,676,424, T>C on the plus strand (A>G on the coding strand, the complement: TBX3 is on the minus strand). VCF-style: chr12-114676424-T-C. GRCh37 (hg19) VCF-style: chr12-115114229-T-C.
Other names: c.988A>G, p.Lys330Glu (NM_016569.4); short protein forms K310E, K330E.
Identifiers: ClinVar variation 3357282 (VCV003357282.1).